The following is an entry in ClinVar:

NM_000260.4(MYO7A):c.3836C>T (p.Thr1279Met)

Gene: MYO7A (myosin VIIA; plus strand). Cytogenetic location: 11q13.5.
Variant type: single nucleotide variant.
Coding change: c.3836C>T on transcript NM_000260.4 (MANE Select); coding-DNA position 3836, C replaced by T.
Protein change: p.Thr1279Met; replaces threonine 1279 with methionine.
Molecular consequence: missense variant.
Genome position (GRCh38, 1-based): chr11:77,190,782, C>T. VCF-style: chr11-77190782-C-T. GRCh37 (hg19) VCF-style: chr11-76901827-C-T.
Other names: c.3836C>T, p.Thr1279Met (NM_001127180.2); c.3803C>T, p.Thr1268Met (NM_001369365.1); short protein forms T1279M, T1268M.
Identifiers: ClinVar variation 517473 (VCV000517473.13), dbSNP rs766245260, ClinGen allele CA6198212.

ClinVar aggregate classification (germline): Uncertain significance. Review status: criteria provided, multiple submitters, no conflicts (2 of 4 stars). 7 submissions from 7 submitters: Uncertain significance (6). 1 of the submissions does not count toward it. Last evaluated 2026-07-13.

Conditions:
MYO7A-related disorder. Also called: MYO7A-related disorders.
Usher syndrome type 1B (USH1B). Also called: Usher syndrome type IB. Identifiers: MedGen C1848638, MONDO:0700087.
Inborn genetic diseases. Identifiers: MedGen C0950123, MeSH D030342.

Allele frequency attached by ClinVar (database versions not stated): ExAC 0.00002; gnomAD 0.00002; TOPMed 0.00004.
gnomAD v4.1: 21 of 1,596,836 alleles (0.0013%); highest among the groups gnomAD compares: African/African-American, 0.0054%; no homozygotes.

Submissions (7):

Ambry Genetics
Classification: Uncertain significance for Inborn genetic diseases. Last evaluated: 2026-07-13. Review status: criteria provided, single submitter. Criteria: Ambry Variant Classification Scheme 2023. Collection method: clinical testing. Allele origin: germline.

PreventionGenetics, part of Exact Sciences
Classification: Uncertain significance for MYO7A-related condition. Last evaluated: 2026-06-15. Review status: criteria provided, single submitter. Criteria: ACMG Guidelines, 2015. Collection method: clinical testing. Allele origin: germline.
Comment: The MYO7A c.3836C>T variant is predicted to result in the amino acid substitution p.Thr1279Met. To our knowledge, this variant has not been reported in the literature. This variant is reported in 0.0010% of alleles in individuals of European (Non-Finnish) descent in gnomAD. At this time, the clinical significance of this variant is uncertain due to the absence of conclusive functional and genetic evidence.

Labcorp Genetics (formerly Invitae), Labcorp
Classification: Uncertain significance. Last evaluated: 2023-12-04. Review status: criteria provided, single submitter. Criteria: Invitae Variant Classification Sherloc (09022015). Collection method: clinical testing. Allele origin: germline.
Comment: This sequence change replaces threonine, which is neutral and polar, with methionine, which is neutral and non-polar, at codon 1279 of the MYO7A protein (p.Thr1279Met). The frequency data for this variant in the population databases is considered unreliable, as metrics indicate poor data quality at this position in the gnomAD database. This variant has not been reported in the literature in individuals affected with MYO7A-related conditions. ClinVar contains an entry for this variant (Variation ID: 517473). Advanced modeling of protein sequence and biophysical properties (such as structural, functional, and spatial information, amino acid conservation, physicochemical variation, residue mobility, and thermodynamic stability) performed at Invitae indicates that this missense variant is expected to disrupt MYO7A protein function with a positive predictive value of 80%. In summary, the available evidence is currently insufficient to determine the role of this variant in disease. Therefore, it has been classified as a Variant of Uncertain Significance.

GeneDx
Classification: Uncertain significance. Last evaluated: 2023-06-01. Review status: criteria provided, single submitter. Criteria: GeneDx Variant Classification Process June 2021. Collection method: clinical testing. Allele origin: germline. Affected: yes.
Comment: Not observed at significant frequency in large population cohorts (gnomAD); In silico analysis supports that this missense variant has a deleterious effect on protein structure/function; Has not been previously published as pathogenic or benign to our knowledge

Blueprint Genetics
Classification: Uncertain significance. Last evaluated: 2020-07-07. Review status: criteria provided, single submitter. Criteria: ACMG Guidelines, 2015. Collection method: clinical testing. Allele origin: germline.

Laboratory for Molecular Medicine, Mass General Brigham Personalized Medicine
Classification: Uncertain significance. Last evaluated: 2017-07-27. Review status: criteria provided, single submitter. Criteria: LMM Criteria. Collection method: clinical testing. Allele origin: germline. Observed: 1 variant allele.
Comment: The p.Thr1279Met variant in MYO7A has not been previously reported in individual s with hearing loss or Usher syndrome, but has been identified 1/96932 European chromosomes by the Genome Aggregation Consortium (gnomAD; dbSNP rs766245260). Although this variant has been seen in the gener al population, its frequency is not high enough to rule out a pathogenic role. C omputational prediction tools and conservation analyses suggest that this varian t may impact the protein, though this information is not predictive enough to de termine pathogenicity. In summary, the clinical significance of the p.Thr1279Met variant is uncertain.

Natera, Inc.
Classification: Uncertain significance for Usher syndrome type 1B. Last evaluated: 2021-10-15. Review status: no assertion criteria provided. Collection method: clinical testing. Allele origin: germline. Not counted in ClinVar's aggregate classification.